The following is an entry in ClinVar:

ClinVar aggregate classification (germline): Uncertain significance (1 of 4 stars; one submission).

Conditions:
Coffin-Siris syndrome 8. Identifiers: MedGen C5193054, MONDO:0032702, OMIM 618362.

Submission:

3billion
Classification: Uncertain significance for Coffin-Siris syndrome 8. Last evaluated: 2025-02-13. Review status: criteria provided, single submitter. Criteria: ACMG Guidelines, 2015. Collection method: clinical testing. Allele origin: germline. Affected: yes.
Comment: The variant is not observed in the gnomAD v4.1.0 dataset. Predicted Consequence/Location: Missense variant In silico tool predictions suggest damaging effect of the variant on gene or gene product [REVEL: 0.47 (>=0.6, sensitivity 0.68 and specificity 0.92); 3Cnet: 0.98 (>=0.6, sensitivity 0.72 and precision 0.9)]. Different missense changes at the same codon have been reported as of uncertain significance (ClinVar ID: VCV003365254, VCV003368769). Therefore, this variant is classified as VUS according to the recommendation of ACMG/AMP guideline.

NM_001330288.2(SMARCC2):c.2066C>T (p.Pro689Leu)

Gene: SMARCC2 (SWI/SNF related BAF chromatin remodeling complex subunit C2; minus strand). Cytogenetic location: 12q13.2.
Variant type: single nucleotide variant.
Coding change: c.2066C>T on transcript NM_001330288.2 (MANE Select); coding-DNA position 2066, C replaced by T.
Protein change: p.Pro689Leu; replaces proline 689 with leucine.
Molecular consequence: missense variant.
Genome position (GRCh38, 1-based): chr12:56,171,798, G>A on the plus strand (C>T on the coding strand, the complement: SMARCC2 is on the minus strand). VCF-style: chr12-56171798-G-A. GRCh37 (hg19) VCF-style: chr12-56565582-G-A.
Other names: c.2066C>T, p.Pro689Leu (NM_001130420.3, NM_139067.4); c.1973C>T, p.Pro658Leu (NM_003075.5); short protein forms P658L, P689L.
Identifiers: ClinVar variation 4293248 (VCV004293248.1).